The following is an entry in ClinVar:

ClinVar aggregate classification (germline): Conflicting classifications of pathogenicity. Review status: criteria provided, conflicting classifications (1 of 4 stars). 2 submissions from 2 submitters: Uncertain significance (1); Likely benign (1). Last evaluated 2025-08-31.

Conditions:
Facioscapulohumeral muscular dystrophy 2 (FSHD2). Also called: MUSCULAR DYSTROPHY, FACIOSCAPULOHUMERAL, TYPE 1B; FACIOSCAPULOHUMERAL MUSCULAR DYSTROPHY 2, DIGENIC; FSHD2, DIGENIC. Identifiers: Orphanet 269, MedGen C1834671, MONDO:0008031, OMIM 158901.
SMCHD1-related disorder. Also called: SMCHD1-related condition.

Allele frequency attached by ClinVar (database versions not stated): gnomAD exomes below 0.00001; gnomAD 0.00002; TOPMed 0.00002; ExAC 0.00006.
gnomAD v4.1: 6 of 1,293,396 alleles (0.00046%); highest among the groups gnomAD compares: African/African-American, 0.0015%; no homozygotes.

Submissions (2):

PreventionGenetics, part of Exact Sciences
Classification: Likely benign for SMCHD1-related condition. Last evaluated: 2025-08-31. Review status: criteria provided, single submitter. Criteria: ACMG Guidelines, 2015. Collection method: clinical testing. Allele origin: germline.
Comment: This variant is classified as likely benign based on ACMG/AMP sequence variant interpretation guidelines (Richards et al. 2015 PMID: 25741868, with internal and published modifications).

Labcorp Genetics (formerly Invitae), Labcorp
Classification: Uncertain significance for Facioscapulohumeral muscular dystrophy 2. Last evaluated: 2025-08-15. Review status: criteria provided, single submitter. Criteria: Invitae Variant Classification Sherloc (09022015). Collection method: clinical testing. Allele origin: germline.
Comment: This sequence change falls in intron 7 of the SMCHD1 gene. It does not directly change the encoded amino acid sequence of the SMCHD1 protein. It affects a nucleotide within the consensus splice site. This variant is present in population databases (rs530641399, gnomAD 0.002%). This variant has not been reported in the literature in individuals affected with SMCHD1-related conditions. ClinVar contains an entry for this variant (Variation ID: 2723783). Variants that disrupt the consensus splice site are a relatively common cause of aberrant splicing (PMID: 17576681, 9536098). Algorithms developed to predict the effect of sequence changes on RNA splicing suggest that this variant is not likely to affect RNA splicing. In summary, the available evidence is currently insufficient to determine the role of this variant in disease. Therefore, it has been classified as a Variant of Uncertain Significance.

Literature cited by the submitters: PubMed 17576681 (cited by Labcorp Genetics (formerly Invitae), Labcorp); PubMed 9536098 (cited by Labcorp Genetics (formerly Invitae), Labcorp).

NM_015295.3(SMCHD1):c.873+6A>G

Gene: SMCHD1 (structural maintenance of chromosomes flexible hinge domain containing 1; plus strand). Cytogenetic location: 18p11.32.
Variant type: single nucleotide variant.
Coding change: c.873+6A>G on transcript NM_015295.3 (MANE Select); 6 bases into the intron after coding-DNA position 873, A replaced by G.
Molecular consequence: intron variant.
Genome position (GRCh38, 1-based): chr18:2,688,753, A>G. VCF-style: chr18-2688753-A-G. GRCh37 (hg19) VCF-style: chr18-2688751-A-G.
Other names: c.873+6A>G (NM_015295.2).
Identifiers: ClinVar variation 2723783 (VCV002723783.4), dbSNP rs530641399, ClinGen allele CA8870647.